The following is an entry in ClinVar:

ClinVar aggregate classification (germline): Uncertain significance (1 of 4 stars; one submission).

Conditions:
Neuronal ceroid lipofuscinosis 11. Also called: GRN-Related Neuronal Ceroid-Lipofuscinosis. Identifiers: Orphanet 314629, Orphanet 79262, MedGen C3539123, MONDO:0013866, OMIM 614706.
GRN-related frontotemporal lobar degeneration with Tdp43 inclusions (FTD2). Also called: DEMENTIA, HEREDITARY DYSPHASIC DISINHIBITION; FRONTOTEMPORAL LOBAR DEGENERATION WITH UBIQUITIN-POSITIVE INCLUSIONS; FTLD-TDP, GRN-RELATED; FRONTOTEMPORAL DEMENTIA WITH TDP43 INCLUSIONS, GRN-RELATED; GRN Frontotemporal Dementia. Identifiers: Orphanet 100070, Orphanet 282, MedGen C1843792, MONDO:0011842, OMIM 607485. Disease mechanism: loss of function.

Submission:

Labcorp Genetics (formerly Invitae), Labcorp
Classification: Uncertain significance for Neuronal ceroid lipofuscinosis 11; GRN-related frontotemporal lobar degeneration with Tdp43 inclusions. Last evaluated: 2025-04-23. Review status: criteria provided, single submitter. Criteria: Invitae Variant Classification Sherloc (09022015). Collection method: clinical testing. Allele origin: germline.
Comment: This sequence change replaces tryptophan, which is neutral and slightly polar, with arginine, which is basic and polar, at codon 147 of the GRN protein (p.Trp147Arg). This variant is not present in population databases (gnomAD no frequency). This variant has not been reported in the literature in individuals affected with GRN-related conditions. Invitae Evidence Modeling of protein sequence and biophysical properties (such as structural, functional, and spatial information, amino acid conservation, physicochemical variation, residue mobility, and thermodynamic stability) indicates that this missense variant is expected to disrupt GRN protein function with a positive predictive value of 80%. In summary, the available evidence is currently insufficient to determine the role of this variant in disease. Therefore, it has been classified as a Variant of Uncertain Significance.

NM_002087.4(GRN):c.439T>C (p.Trp147Arg)

Gene: GRN (granulin precursor; plus strand). Cytogenetic location: 17q21.31.
Variant type: single nucleotide variant.
Coding change: c.439T>C on transcript NM_002087.4 (MANE Select); coding-DNA position 439, T replaced by C.
Protein change: p.Trp147Arg; replaces tryptophan 147 with arginine.
Molecular consequence: missense variant.
Genome position (GRCh38, 1-based): chr17:44,350,317, T>C. VCF-style: chr17-44350317-T-C. GRCh37 (hg19) VCF-style: chr17-42427685-T-C.
Other names: short protein forms W147R.
Identifiers: ClinVar variation 4790437 (VCV004790437.1).